The following is an entry in ClinVar:

ClinVar aggregate classification (germline): Uncertain significance. Review status: criteria provided, multiple submitters, no conflicts (2 of 4 stars). 2 submissions from 2 submitters: Uncertain significance (2). Last evaluated 2025-04-12.

Conditions:
Ullrich congenital muscular dystrophy 2 (UCMD2). Identifiers: Orphanet 75840, MedGen C4225314, MONDO:0014654, OMIM 616470.
Bethlem myopathy 2 (BTHLM2). Identifiers: Orphanet 536516, Orphanet 610, MedGen C4225313, MONDO:0034022, OMIM 616471.
Inborn genetic diseases. Identifiers: MedGen C0950123, MeSH D030342.

gnomAD v4.1: 5 of 1,597,960 alleles (0.00031%); highest among the groups gnomAD compares: Non-Finnish European, 0.00043%; no homozygotes.

Submissions (2):

Ambry Genetics
Classification: Uncertain significance for Inborn genetic diseases. Last evaluated: 2025-04-12. Review status: criteria provided, single submitter. Criteria: Ambry Variant Classification Scheme 2023. Collection method: clinical testing. Allele origin: germline.

Labcorp Genetics (formerly Invitae), Labcorp
Classification: Uncertain significance for Bethlem myopathy 2; Ullrich congenital muscular dystrophy 2. Last evaluated: 2024-06-11. Review status: criteria provided, single submitter. Criteria: Invitae Variant Classification Sherloc (09022015). Collection method: clinical testing. Allele origin: germline.
Comment: This sequence change replaces isoleucine, which is neutral and non-polar, with threonine, which is neutral and polar, at codon 107 of the COL12A1 protein (p.Ile107Thr). This variant is not present in population databases (gnomAD no frequency). This variant has not been reported in the literature in individuals affected with COL12A1-related conditions. Advanced modeling of protein sequence and biophysical properties (such as structural, functional, and spatial information, amino acid conservation, physicochemical variation, residue mobility, and thermodynamic stability) performed at Invitae indicates that this missense variant is not expected to disrupt COL12A1 protein function with a negative predictive value of 80%. In summary, the available evidence is currently insufficient to determine the role of this variant in disease. Therefore, it has been classified as a Variant of Uncertain Significance.

NM_004370.6(COL12A1):c.320T>C (p.Ile107Thr)

Gene: COL12A1 (collagen type XII alpha 1 chain; minus strand). Cytogenetic location: 6q13.
Variant type: single nucleotide variant.
Coding change: c.320T>C on transcript NM_004370.6 (MANE Select); coding-DNA position 320, T replaced by C.
Protein change: p.Ile107Thr; replaces isoleucine 107 with threonine.
Molecular consequence: missense variant. On other transcripts: intron variant (2).
Genome position (GRCh38, 1-based): chr6:75,192,226, A>G on the plus strand (T>C on the coding strand, the complement: COL12A1 is on the minus strand). VCF-style: chr6-75192226-A-G. GRCh37 (hg19) VCF-style: chr6-75901942-A-G.
Other names: c.320T>C, p.Ile107Thr (NM_001424113.1, NM_001424114.1, NM_001424115.1); c.73+10494T>C (NM_001424116.1, NM_080645.3); c.320T>C (NM_004370.5); short protein forms I107T.
Identifiers: ClinVar variation 3759515 (VCV003759515.3).
Genomic context (GRCh38, chr6:75,192,226, plus strand): 5'-GCAAAATAAAAATTATACAAATATTTTATTTTATATGTGTGCTTACTTGTTAGTTGTCCT[A>G]TAACTGGTACACTTTCTTCTACTTCATCATATGAAGTTATTGTCACCACATACTCTGTTT-3'
Protein context (NP_004361.3, residues 97-117): YDEVEESVPV[Ile107Thr]GQLTIQTGSS